The following is an entry in ClinVar:

ClinVar aggregate classification (germline): Uncertain significance. Review status: criteria provided, multiple submitters, no conflicts (2 of 4 stars). 2 submissions from 2 submitters: Uncertain significance (2). Last evaluated 2025-05-25.

Conditions:
Hereditary cancer-predisposing syndrome. Also called: Hereditary neoplastic syndrome; Neoplastic Syndromes, Hereditary; Hereditary Cancer Syndrome; Tumor predisposition. Identifiers: Orphanet 140162, MedGen C0027672, MeSH D009386, MONDO:0015356.

Allele frequency attached by ClinVar (database versions not stated): gnomAD exomes below 0.00001.
gnomAD v4.1: 2 of 1,613,312 alleles (0.00012%); highest among the groups gnomAD compares: Non-Finnish European, 0.00017%; no homozygotes.

Submissions (2):

Ambry Genetics
Classification: Uncertain significance for Hereditary cancer-predisposing syndrome. Last evaluated: 2025-05-25. Review status: criteria provided, single submitter. Criteria: Ambry Variant Classification Scheme 2023. Collection method: clinical testing. Allele origin: germline.
Comment: The p.K842E variant (also known as c.2524A>G), located in coding exon 18 of the MSH3 gene, results from an A to G substitution at nucleotide position 2524. The lysine at codon 842 is replaced by glutamic acid, an amino acid with similar properties. This amino acid position is highly conserved in available vertebrate species. In addition, the in silico prediction for this alteration is inconclusive. Since supporting evidence is limited at this time, the clinical significance of this alteration remains unclear.

Labcorp Genetics (formerly Invitae), Labcorp
Classification: Uncertain significance. Last evaluated: 2024-12-18. Review status: criteria provided, single submitter. Criteria: Invitae Variant Classification Sherloc (09022015). Collection method: clinical testing. Allele origin: germline.
Comment: This sequence change replaces lysine, which is basic and polar, with glutamic acid, which is acidic and polar, at codon 842 of the MSH3 protein (p.Lys842Glu). This variant is not present in population databases (gnomAD no frequency). This variant has not been reported in the literature in individuals affected with MSH3-related conditions. ClinVar contains an entry for this variant (Variation ID: 659117). An algorithm developed to predict the effect of missense changes on protein structure and function (PolyPhen-2) suggests that this variant is likely to be disruptive. In summary, the available evidence is currently insufficient to determine the role of this variant in disease. Therefore, it has been classified as a Variant of Uncertain Significance.

NM_002439.5(MSH3):c.2524A>G (p.Lys842Glu)

Gene: MSH3 (mutS homolog 3; plus strand). Cytogenetic location: 5q14.1.
Variant type: single nucleotide variant.
Coding change: c.2524A>G on transcript NM_002439.5 (MANE Select); coding-DNA position 2524, A replaced by G.
Protein change: p.Lys842Glu; replaces lysine 842 with glutamic acid.
Molecular consequence: missense variant.
Genome position (GRCh38, 1-based): chr5:80,787,653, A>G. VCF-style: chr5-80787653-A-G. GRCh37 (hg19) VCF-style: chr5-80083472-A-G.
Other names: short protein forms K842E.
Identifiers: ClinVar variation 659117 (VCV000659117.15), dbSNP rs1580051170, ClinGen allele CA360283403.